The following is an entry in ClinVar:

ClinVar aggregate classification (germline): Pathogenic (1 of 4 stars; one submission).

Submission:

Athena Diagnostics
Classification: Pathogenic. Last evaluated: 2021-06-14. Review status: criteria provided, single submitter. Criteria: Athena Diagnostics Criteria. Collection method: clinical testing. Allele origin: unknown.
Comment: This variant is likely to be inserted in tandem within the DMD gene and is expected to disrupt protein function. Similar variants have not been reported in large, multi-ethnic general populations. Similar duplications of exons 45-51 have been identified in multiple unrelated males with dystrophinopathies, including at least three with Duchenne muscular dystrophy (DMD; PMID: 15643612, 25482253, 28332368).

Literature cited by the submitters: PubMed 33101180; PubMed 15643612; PubMed 2316519; PubMed 25482253; PubMed 31705731; PubMed 28332368; PubMed 17561468; PubMed 23588064.

Single allele

Gene: DMD (dystrophin; minus strand). Cytogenetic location: Xp21.1.
Variant type: Duplication.
Identifiers: ClinVar variation 1807254 (VCV001807254.1).